The following is an entry in ClinVar:

NM_018089.3(ANKZF1):c.1292A>C (p.Glu431Ala)

Gene: ANKZF1 (ankyrin repeat and zinc finger peptidyl tRNA hydrolase 1; plus strand). Cytogenetic location: 2q35.
Variant type: single nucleotide variant.
Coding change: c.1292A>C on transcript NM_018089.3 (MANE Select); coding-DNA position 1292, A replaced by C.
Protein change: p.Glu431Ala; replaces glutamic acid 431 with alanine.
Molecular consequence: missense variant.
Genome position (GRCh38, 1-based): chr2:219,234,913, A>C. VCF-style: chr2-219234913-A-C. GRCh37 (hg19) VCF-style: chr2-220099635-A-C.
Other names: c.1292A>C, p.Glu431Ala (NM_001042410.2); c.662A>C, p.Glu221Ala (NM_001282792.2); short protein forms E431A, E221A.
Identifiers: ClinVar variation 3713479 (VCV003713479.2).

ClinVar aggregate classification (germline): Uncertain significance (1 of 4 stars; one submission).

gnomAD v4.1: 20 of 1,614,122 alleles (0.0012%); highest among the groups gnomAD compares: Non-Finnish European, 0.0017%; no homozygotes.

Submission:

Labcorp Genetics (formerly Invitae), Labcorp
Classification: Uncertain significance. Last evaluated: 2024-02-24. Review status: criteria provided, single submitter. Criteria: Invitae Variant Classification Sherloc (09022015). Collection method: clinical testing. Allele origin: germline.
Comment: This sequence change replaces glutamic acid, which is acidic and polar, with alanine, which is neutral and non-polar, at codon 431 of the ANKZF1 protein (p.Glu431Ala). This variant is not present in population databases (gnomAD no frequency). This variant has not been reported in the literature in individuals affected with ANKZF1-related conditions. An algorithm developed to predict the effect of missense changes on protein structure and function (PolyPhen-2) suggests that this variant is likely to be disruptive. In summary, the available evidence is currently insufficient to determine the role of this variant in disease. Therefore, it has been classified as a Variant of Uncertain Significance.